The following is an entry in ClinVar:

ClinVar aggregate classification (germline): Conflicting classifications of pathogenicity. Review status: criteria provided, conflicting classifications (1 of 4 stars). 7 submissions from 7 submitters: Uncertain significance (5); Benign (1); Likely benign (1). Last evaluated 2025-11-02.

Conditions:
Hereditary nonpolyposis colorectal neoplasms. Identifiers: MedGen C0009405, MeSH D003123.
Hereditary cancer-predisposing syndrome. Also called: Tumor predisposition; Hereditary Cancer Syndrome; Hereditary neoplastic syndrome; Neoplastic Syndromes, Hereditary. Identifiers: Orphanet 140162, MedGen C0027672, MeSH D009386, MONDO:0015356.
Lynch syndrome. Identifiers: Orphanet 144, MedGen C4552100, MONDO:0005835. Disease mechanism: loss of function.
Mismatch repair cancer syndrome 3. Identifiers: MedGen C5436807, MONDO:0030841, OMIM 619097.
Endometrial carcinoma. Also called: Endometrial carcinoma, somatic. Identifiers: MedGen C0476089, MONDO:0002447, OMIM 608089, HP:0012114.
Lynch syndrome 5 (LYNCH5). Also called: Colorectal cancer, hereditary nonpolyposis, type 5; Hereditary non-polyposis colorectal cancer, type 5. Identifiers: Orphanet 144, MedGen C1833477, MONDO:0013710, OMIM 614350. Disease mechanism: loss of function.

Allele frequency attached by ClinVar (database versions not stated): gnomAD 0.00001; TOPMed 0.00002.
gnomAD v4.1: 5 of 1,614,080 alleles (0.00031%); highest among the groups gnomAD compares: African/African-American, 0.004%; no homozygotes.

Submissions (7):

Labcorp Genetics (formerly Invitae), Labcorp
Classification: Benign for Hereditary nonpolyposis colorectal neoplasms. Last evaluated: 2025-11-02. Review status: criteria provided, single submitter. Criteria: Invitae Variant Classification Sherloc (09022015). Collection method: clinical testing. Allele origin: germline.

Color Diagnostics, LLC DBA Color Health
Classification: Uncertain significance for Hereditary cancer-predisposing syndrome. Last evaluated: 2025-08-12. Review status: criteria provided, single submitter. Criteria: ACMG Guidelines, 2015. Collection method: clinical testing. Allele origin: germline.
Comment: This missense variant replaces tyrosine with cysteine at codon 1128 of the MSH6 protein. Computational prediction is inconclusive regarding the impact of this variant on protein structure and function. To our knowledge, functional studies have not been reported for this variant. This variant has not been reported in individuals affected with MSH6-related disorders in the literature. This variant has been identified in 3/282828 chromosomes in the general population by the Genome Aggregation Database (gnomAD). The available evidence is insufficient to determine the role of this variant in disease conclusively. Therefore, this variant is classified as a Variant of Uncertain Significance.

Ambry Genetics
Classification: Likely benign for Hereditary cancer-predisposing syndrome. Last evaluated: 2025-03-27. Review status: criteria provided, single submitter. Criteria: Ambry Variant Classification Scheme 2023. Collection method: clinical testing. Allele origin: germline.

Fulgent Genetics
Classification: Uncertain significance for Endometrial carcinoma; Lynch syndrome 5; Mismatch repair cancer syndrome 3. Last evaluated: 2024-06-20. Review status: criteria provided, single submitter. Criteria: ACMG Guidelines, 2015. Collection method: clinical testing. Allele origin: germline.

All of Us Research Program, National Institutes of Health
Classification: Uncertain significance for Lynch syndrome. Last evaluated: 2023-08-15. Review status: criteria provided, single submitter. Criteria: ACMG Guidelines, 2015. Collection method: clinical testing. Allele origin: germline. Inheritance: Autosomal dominant inheritance. Observed: 1 variant allele, 1 heterozygote.
Comment: This missense variant replaces tyrosine with cysteine at codon 1128 of the MSH6 protein. Computational prediction is inconclusive regarding the impact of this variant on protein structure and function (internally defined REVEL score threshold 0.5 < inconclusive < 0.7, PMID: 27666373). To our knowledge, functional studies have not been reported for this variant. This variant has not been reported in individuals affected with MSH6-related disorders in the literature. This variant has been identified in 3/282828 chromosomes in the general population by the Genome Aggregation Database (gnomAD). The available evidence is insufficient to determine the role of this variant in disease conclusively. Therefore, this variant is classified as a Variant of Uncertain Significance.

This study involves interpretation of variants in research participants for the purpose of population health screening. Participant phenotype was not available at the time of variant classification. Additional details can be found in publication PMID: 35346344, PMCID: PMC8962531

Baylor Genetics
Classification: Uncertain significance for Endometrial carcinoma. Last evaluated: 2023-07-14. Review status: criteria provided, single submitter. Criteria: ACMG Guidelines, 2015. Collection method: clinical testing. Allele origin: unknown.

Quest Diagnostics Nichols Institute San Juan Capistrano
Classification: Uncertain significance. Last evaluated: 2020-10-25. Review status: criteria provided, single submitter. Criteria: Quest Diagnostics criteria. Collection method: clinical testing. Allele origin: unknown.

Literature cited by the submitters: PubMed 26333163 (cited by Ambry Genetics).

NM_000179.3(MSH6):c.3383A>G (p.Tyr1128Cys)

Gene: MSH6 (mutS homolog 6; plus strand). Cytogenetic location: 2p16.3.
Variant type: single nucleotide variant.
Coding change: c.3383A>G on transcript NM_000179.3 (MANE Select); coding-DNA position 3383, A replaced by G.
Protein change: p.Tyr1128Cys; replaces tyrosine 1128 with cysteine.
Molecular consequence: missense variant.
Genome position (GRCh38, 1-based): chr2:47,803,630, A>G. VCF-style: chr2-47803630-A-G. GRCh37 (hg19) VCF-style: chr2-48030769-A-G.
Other names: c.2993A>G, p.Tyr998Cys (NM_001281492.2); c.2477A>G, p.Tyr826Cys (NM_001281493.2, NM_001281494.2); short protein forms Y1128C, Y826C, Y998C.
Identifiers: ClinVar variation 89378 (VCV000089378.24), dbSNP rs587779261, ClinGen allele CA012724.